The following is an entry in ClinVar:

NM_003221.4(TFAP2B):c.153C>A (p.Tyr51Ter)

Gene: TFAP2B (transcription factor AP-2 beta; plus strand). Cytogenetic location: 6p12.3.
Variant type: single nucleotide variant.
Coding change: c.153C>A on transcript NM_003221.4 (MANE Select); coding-DNA position 153, C replaced by A.
Protein change: p.Tyr51Ter; replaces tyrosine 51 with a stop codon.
Molecular consequence: nonsense.
Genome position (GRCh38, 1-based): chr6:50,823,478, C>A. VCF-style: chr6-50823478-C-A. GRCh37 (hg19) VCF-style: chr6-50791191-C-A.
Other names: short protein forms Y51*.
Identifiers: ClinVar variation 4865629 (VCV004865629.1).

ClinVar aggregate classification (germline): Pathogenic (1 of 4 stars; one submission).

Conditions:
Inborn genetic diseases. Identifiers: MedGen C0950123, MeSH D030342.

Submission:

Ambry Genetics
Classification: Pathogenic for Inborn genetic diseases. Last evaluated: 2026-06-01. Review status: criteria provided, single submitter. Criteria: Ambry Variant Classification Scheme 2023. Collection method: clinical testing. Allele origin: germline.
Comment: The c.153C>A (p.Y51*) alteration, located in exon 2 (coding exon 2) of the TFAP2B gene, consists of a C to A substitution at nucleotide position 153. This changes the amino acid from a tyrosine (Y) to a stop codon at amino acid position 51. This variant is expected to result in loss of function by premature protein truncation or nonsense-mediated mRNA decay. This variant was not reported in population-based cohorts in the Genome Aggregation Database (gnomAD). Based on the available evidence, this alteration is classified as pathogenic.